The following is an entry in ClinVar:

NM_032242.4(PLXNA1):c.2471C>T (p.Pro824Leu)

Gene: PLXNA1 (plexin A1; plus strand). Cytogenetic location: 3q21.3.
Variant type: single nucleotide variant.
Coding change: c.2471C>T on transcript NM_032242.4 (MANE Select); coding-DNA position 2471, C replaced by T.
Protein change: p.Pro824Leu; replaces proline 824 with leucine.
Molecular consequence: missense variant.
Genome position (GRCh38, 1-based): chr3:127,014,242, C>T. VCF-style: chr3-127014242-C-T. GRCh37 (hg19) VCF-style: chr3-126733085-C-T.
Other names: short protein forms P824L.
Identifiers: ClinVar variation 2635996 (VCV002635996.4), dbSNP rs376695682, ClinGen allele CA2593639.

ClinVar aggregate classification (germline): Uncertain significance. Review status: criteria provided, single submitter (1 of 4 stars). 2 submissions from 2 submitters: Uncertain significance (1). 1 of the submissions does not count toward it. Last evaluated 2024-01-16.

Conditions:
PLXNA1-related disorder. Also called: PLXNA1-related condition.

Allele frequency attached by ClinVar (database versions not stated): TOPMed 0.00003; gnomAD 0.00004; ESP Exome Variant Server 0.00008; ExAC 0.00015; 1000 Genomes Project 30x 0.00016; 1000 Genomes Project 0.00020.
gnomAD v4.1: 60 of 1,603,588 alleles (0.0037%); highest among the groups gnomAD compares: East Asian, 0.011%; no homozygotes.

Submissions (2):

Ambry Genetics
Classification: Uncertain significance. Last evaluated: 2024-01-16. Review status: criteria provided, single submitter. Criteria: Ambry Variant Classification Scheme 2023. Collection method: clinical testing. Allele origin: germline.

PreventionGenetics, part of Exact Sciences
Classification: Uncertain significance for PLXNA1-related condition. Last evaluated: 2024-01-23. Review status: no assertion criteria provided. Collection method: clinical testing. Allele origin: germline. Not counted in ClinVar's aggregate classification.
Comment: The PLXNA1 c.2471C>T variant is predicted to result in the amino acid substitution p.Pro824Leu. To our knowledge, this variant has not been reported in the literature. This variant is reported in 0.010% of alleles in individuals of South Asian descent in gnomAD. At this time, the clinical significance of this variant is uncertain due to the absence of conclusive functional and genetic evidence.